The following is an entry in ClinVar:

NM_006514.4(SCN10A):c.5594A>G (p.Tyr1865Cys)

Gene: SCN10A (sodium voltage-gated channel alpha subunit 10; minus strand). Cytogenetic location: 3p22.2.
Variant type: single nucleotide variant.
Coding change: c.5594A>G on transcript NM_006514.4 (MANE Select); coding-DNA position 5594, A replaced by G.
Protein change: p.Tyr1865Cys; replaces tyrosine 1865 with cysteine.
Molecular consequence: missense variant.
Genome position (GRCh38, 1-based): chr3:38,697,626, T>C on the plus strand (A>G on the coding strand, the complement: SCN10A is on the minus strand). VCF-style: chr3-38697626-T-C. GRCh37 (hg19) VCF-style: chr3-38739117-T-C.
Other names: c.5591A>G, p.Tyr1864Cys (NM_001293306.2); c.5300A>G, p.Tyr1767Cys (NM_001293307.2); short protein forms Y1767C, Y1864C, Y1865C.
Identifiers: ClinVar variation 958796 (VCV000958796.10), dbSNP rs377518708, ClinGen allele CA72946820.

ClinVar aggregate classification (germline): Uncertain significance. Review status: criteria provided, multiple submitters, no conflicts (2 of 4 stars). 3 submissions from 3 submitters: Uncertain significance (3). Last evaluated 2025-03-04.

Conditions:
Brugada syndrome. Also called: Sudden unexpected nocturnal death syndrome; Sudden Unexplained Death Syndrome; Sudden Unexplained Nocturnal Death Syndrome (SUNDS); Sudden unexplained nocturnal death syndrome. Identifiers: Orphanet 130, MedGen C1142166, MONDO:0015263.
Cardiovascular phenotype. Identifiers: MedGen CN230736.

Allele frequency attached by ClinVar (database versions not stated): TOPMed 0.00002; ESP Exome Variant Server 0.00008.
gnomAD v4.1: 6 of 1,614,168 alleles (0.00037%); highest among the groups gnomAD compares: Non-Finnish European, 0.00042%; no homozygotes.

Submissions (3):

GeneDx
Classification: Uncertain significance. Last evaluated: 2025-03-04. Review status: criteria provided, single submitter. Criteria: GeneDx Variant Classification Process June 2021. Collection method: clinical testing. Allele origin: germline. Affected: yes.
Comment: Has not been previously published as pathogenic or benign to our knowledge; Not observed at significant frequency in large population cohorts (gnomAD); In silico analysis supports that this missense variant has a deleterious effect on protein structure/function

Ambry Genetics
Classification: Uncertain significance for Cardiovascular phenotype. Last evaluated: 2024-10-08. Review status: criteria provided, single submitter. Criteria: Ambry Variant Classification Scheme 2023. Collection method: clinical testing. Allele origin: germline.
Comment: The p.Y1865C variant (also known as c.5594A>G), located in coding exon 27 of the SCN10A gene, results from an A to G substitution at nucleotide position 5594. The tyrosine at codon 1865 is replaced by cysteine, an amino acid with highly dissimilar properties. This amino acid position is well conserved in available vertebrate species. In addition, this alteration is predicted to be deleterious by in silico analysis. Since supporting evidence is limited at this time, the clinical significance of this alteration remains unclear.

Labcorp Genetics (formerly Invitae), Labcorp
Classification: Uncertain significance for Brugada syndrome. Last evaluated: 2021-08-09. Review status: criteria provided, single submitter. Criteria: Invitae Variant Classification Sherloc (09022015). Collection method: clinical testing. Allele origin: germline.
Comment: In summary, the available evidence is currently insufficient to determine the role of this variant in disease. Therefore, it has been classified as a Variant of Uncertain Significance. Algorithms developed to predict the effect of missense changes on protein structure and function are either unavailable or do not agree on the potential impact of this missense change (SIFT: "Deleterious"; PolyPhen-2: "Probably Damaging"; Align-GVGD: "Class C0"). This variant has not been reported in the literature in individuals with SCN10A-related conditions. This variant is not present in population databases (ExAC no frequency). This sequence change replaces tyrosine with cysteine at codon 1865 of the SCN10A protein (p.Tyr1865Cys). The tyrosine residue is weakly conserved and there is a large physicochemical difference between tyrosine and cysteine.